The following is an entry in ClinVar:

ClinVar aggregate classification (germline): Pathogenic. Review status: criteria provided, multiple submitters, no conflicts (2 of 4 stars). 2 submissions from 2 submitters: Pathogenic (2). Last evaluated 2022-03-18.

Conditions:
Medium-chain acyl-coenzyme A dehydrogenase deficiency (ACADMD). Also called: MCADD; MCAD Deficiency; ACADM DEFICIENCY; Medium chain acyl-CoA dehydrogenase deficiency; MCADH DEFICIENCY; CARNITINE DEFICIENCY SECONDARY TO MEDIUM-CHAIN ACYL-CoA DEHYDROGENASE DEFICIENCY. Identifiers: Orphanet 42, MedGen C0220710, MONDO:0008721, OMIM 201450.

Allele frequency attached by ClinVar (database versions not stated): TOPMed below 0.00001.

Submissions (2):

Fulgent Genetics
Classification: Pathogenic for Medium-chain acyl-coenzyme A dehydrogenase deficiency. Last evaluated: 2022-03-18. Review status: criteria provided, single submitter. Criteria: ACMG Guidelines, 2015. Collection method: clinical testing. Allele origin: unknown.

Labcorp Genetics (formerly Invitae), Labcorp
Classification: Pathogenic for Medium-chain acyl-coenzyme A dehydrogenase deficiency. Last evaluated: 2021-05-01. Review status: criteria provided, single submitter. Criteria: Invitae Variant Classification Sherloc (09022015). Collection method: clinical testing. Allele origin: germline.
Comment: Loss-of-function variants in ACADM are known to be pathogenic (PMID: 16121256, 20434380). For these reasons, this variant has been classified as Pathogenic. This nonsense change has been observed in combination with another ACADM variant in an individual affected with medium-chain acyl-CoA dehydrogenase deficiency (PMID: 15832312). This variant is not present in population databases (ExAC no frequency). This sequence change creates a premature translational stop signal (p.Leu203*) in the ACADM gene. It is expected to result in an absent or disrupted protein product.

Literature cited by the submitters: PubMed 16121256 (cited by Labcorp Genetics (formerly Invitae), Labcorp); PubMed 20434380 (cited by Labcorp Genetics (formerly Invitae), Labcorp); PubMed 15832312 (cited by Labcorp Genetics (formerly Invitae), Labcorp).

NM_000016.6(ACADM):c.608T>A (p.Leu203Ter)

Gene: ACADM (acyl-CoA dehydrogenase medium chain; plus strand). Cytogenetic location: 1p31.1.
Variant type: single nucleotide variant.
Coding change: c.608T>A on transcript NM_000016.6 (MANE Select); coding-DNA position 608, T replaced by A.
Protein change: p.Leu203Ter; replaces leucine 203 with a stop codon.
Molecular consequence: nonsense.
Genome position (GRCh38, 1-based): chr1:75,745,814, T>A. VCF-style: chr1-75745814-T-A. GRCh37 (hg19) VCF-style: chr1-76211499-T-A.
Other names: c.620T>A, p.Leu207Ter (NM_001127328.3); c.500T>A, p.Leu167Ter (NM_001286042.2); c.707T>A, p.Leu236Ter (NM_001286043.2); c.41T>A, p.Leu14Ter (NM_001286044.2); short protein forms L203*, L14*, L207*, L236*, L167*.
Identifiers: ClinVar variation 842222 (VCV000842222.10), dbSNP rs1486350523, ClinGen allele CA340815804.
Genomic context (GRCh38, chr1:75,745,814, plus strand): 5'-CATGTGTTATTTGCCGATATTATCACCATTATCCGGTATGTGTATCTCTTAGGTATTTTT[T>A]ATTGGCACGTTCTGATCCAGATCCTAAAGCTCCTGCTAATAAAGCCTTTACTGGATTCAT-3'